The following is an entry in ClinVar:

NM_198253.3(TERT):c.2411G>A (p.Gly804Asp)

Gene: TERT (telomerase reverse transcriptase; minus strand). Cytogenetic location: 5p15.33.
Variant type: single nucleotide variant.
Coding change: c.2411G>A on transcript NM_198253.3 (MANE Select); coding-DNA position 2411, G replaced by A.
Protein change: p.Gly804Asp; replaces glycine 804 with aspartic acid.
Molecular consequence: missense variant.
Genome position (GRCh38, 1-based): chr5:1,271,176, C>T on the plus strand (G>A on the coding strand, the complement: TERT is on the minus strand). VCF-style: chr5-1271176-C-T. GRCh37 (hg19) VCF-style: chr5-1271291-C-T.
Other names: c.2411G>A, p.Gly804Asp (NM_001193376.3); short protein forms G804D.
Identifiers: ClinVar variation 836485 (VCV000836485.11), dbSNP rs1442845192, ClinGen allele CA359075783.
Genomic context (GRCh38, chr5:1,271,176, plus strand): 5'-CACTTGCCCCTGATGCGCACGGCGTGGTGGCACATGAAGCGTAGGAAGACGTCGAAGAGG[C>T]CACTGCTGGCCTCATTCAGGGAGGAGCTCTGCGAAAGCAGACGGGAGACACATGGGAGTG-3'
Protein context (NP_937983.2, residues 794-814): QSSSLNEASS[Gly804Asp]LFDVFLRFMC

ClinVar aggregate classification (germline): Uncertain significance. Review status: criteria provided, multiple submitters, no conflicts (2 of 4 stars). 3 submissions from 3 submitters: Uncertain significance (3). Last evaluated 2024-11-08.

Conditions:
Dyskeratosis congenita. Identifiers: Orphanet 1775, MedGen C0265965, MONDO:0015780.
Dyskeratosis congenita, autosomal dominant 2. Identifiers: MedGen C3151443, MONDO:0013521, OMIM 613989.
Idiopathic Pulmonary Fibrosis. Also called: Idiopathic fibrosing alveolitis, chronic form; idiopathic fibrosing alveolitis. Identifiers: Orphanet 2032, MedGen C1800706, MeSH D054990, MONDO:0800504.

gnomAD v4.1: 2 of 1,613,170 alleles (0.00012%); highest among the groups gnomAD compares: Non-Finnish European, 0.00017%; no homozygotes.

Submissions (3):

GeneDx
Classification: Uncertain significance. Last evaluated: 2024-11-08. Review status: criteria provided, single submitter. Criteria: GeneDx Variant Classification Process June 2021. Collection method: clinical testing. Allele origin: germline. Affected: yes.
Comment: Not observed at significant frequency in large population cohorts (gnomAD); In silico analysis indicates that this missense variant does not alter protein structure/function; Has not been previously published as pathogenic or benign to our knowledge

Labcorp Genetics (formerly Invitae), Labcorp
Classification: Uncertain significance for Dyskeratosis congenita, autosomal dominant 2; Idiopathic Pulmonary Fibrosis. Last evaluated: 2022-12-14. Review status: criteria provided, single submitter. Criteria: Invitae Variant Classification Sherloc (09022015). Collection method: clinical testing. Allele origin: germline.
Comment: In summary, the available evidence is currently insufficient to determine the role of this variant in disease. Therefore, it has been classified as a Variant of Uncertain Significance. Advanced modeling of protein sequence and biophysical properties (such as structural, functional, and spatial information, amino acid conservation, physicochemical variation, residue mobility, and thermodynamic stability) performed at Invitae indicates that this missense variant is not expected to disrupt TERT protein function. ClinVar contains an entry for this variant (Variation ID: 836485). This variant has not been reported in the literature in individuals affected with TERT-related conditions. This variant is not present in population databases (gnomAD no frequency). This sequence change replaces glycine, which is neutral and non-polar, with aspartic acid, which is acidic and polar, at codon 804 of the TERT protein (p.Gly804Asp).

Ambry Genetics
Classification: Uncertain significance for Dyskeratosis congenita. Last evaluated: 2018-07-13. Review status: criteria provided, single submitter. Criteria: Ambry Variant Classification Scheme 2023. Collection method: clinical testing. Allele origin: germline.
Comment: The p.G804D variant (also known as c.2411G>A), located in coding exon 8 of the TERT gene, results from a G to A substitution at nucleotide position 2411. The glycine at codon 804 is replaced by aspartic acid, an amino acid with similar properties. This amino acid position is not well conserved in available vertebrate species. In addition, this alteration is predicted to be tolerated by in silico analysis. Since supporting evidence is limited at this time, the clinical significance of this alteration remains unclear.